The following is an entry in ClinVar:

NM_000064.4(C3):c.3154+6C>T

Gene: C3 (complement C3; minus strand). Cytogenetic location: 19p13.3.
Variant type: single nucleotide variant.
Coding change: c.3154+6C>T on transcript NM_000064.4 (MANE Select); 6 bases into the intron after coding-DNA position 3154, C replaced by T.
Molecular consequence: intron variant.
Genome position (GRCh38, 1-based): chr19:6,694,425, G>A on the plus strand (C>T on the coding strand, the complement: C3 is on the minus strand). VCF-style: chr19-6694425-G-A. GRCh37 (hg19) VCF-style: chr19-6694436-G-A.
Identifiers: ClinVar variation 3611862 (VCV003611862.2).

ClinVar aggregate classification (germline): Uncertain significance (1 of 4 stars; one submission).

gnomAD v4.1: 12 of 1,613,316 alleles (0.00074%); highest among the groups gnomAD compares: Admixed American, 0.0017%; no homozygotes.

Submission:

Labcorp Genetics (formerly Invitae), Labcorp
Classification: Uncertain significance. Last evaluated: 2025-10-23. Review status: criteria provided, single submitter. Criteria: Invitae Variant Classification Sherloc (09022015). Collection method: clinical testing. Allele origin: germline.
Comment: This sequence change falls in intron 24 of the C3 gene. It does not directly change the encoded amino acid sequence of the C3 protein. It affects a nucleotide within the consensus splice site. This variant is present in population databases (rs547984674, gnomAD 0.002%). This variant has not been reported in the literature in individuals affected with C3-related conditions. ClinVar contains an entry for this variant (Variation ID: 3611862). Variants that disrupt the consensus splice site are a relatively common cause of aberrant splicing (PMID: 17576681, 9536098). Algorithms developed to predict the effect of sequence changes on RNA splicing suggest that this variant is not likely to affect RNA splicing. In summary, the available evidence is currently insufficient to determine the role of this variant in disease. Therefore, it has been classified as a Variant of Uncertain Significance.

Literature cited by the submitters: PubMed 17576681; PubMed 9536098.